The following is an entry in ClinVar:

ClinVar aggregate classification (germline): Benign (1 of 4 stars; one submission).

Allele frequency attached by ClinVar (database versions not stated): 1000 Genomes Project 0.13698; gnomAD 0.13773 and 0.14243; 1000 Genomes Project 30x 0.13835; TOPMed 0.14047.
gnomAD v4.1: 20,828 of 152,030 alleles (14%); highest among the groups gnomAD compares: African/African-American, 29%; 2,104 homozygotes.

Submission:

GeneDx
Classification: Benign. Last evaluated: 2018-06-18. Review status: criteria provided, single submitter. Criteria: GeneDx Variant Classification (06012015). Collection method: clinical testing. Allele origin: germline. Affected: yes.
Comment: This variant is considered likely benign or benign based on one or more of the following criteria: it is a conservative change, it occurs at a poorly conserved position in the protein, it is predicted to be benign by multiple in silico algorithms, and/or has population frequency not consistent with disease.

NM_001999.4(FBN2):c.254+303C>G

Gene: FBN2 (fibrillin 2; minus strand). Cytogenetic location: 5q23.3.
Variant type: single nucleotide variant.
Coding change: c.254+303C>G on transcript NM_001999.4 (MANE Select); 303 bases into the intron after coding-DNA position 254, C replaced by G.
Molecular consequence: intron variant.
Genome position (GRCh38, 1-based): chr5:128,537,047, G>C on the plus strand (C>G on the coding strand, the complement: FBN2 is on the minus strand). VCF-style: chr5-128537047-G-C. GRCh37 (hg19) VCF-style: chr5-127872740-G-C.
Identifiers: ClinVar variation 683522 (VCV000683522.1), dbSNP rs73348278, ClinGen allele CA16241735.